The following is an entry in ClinVar:

NM_002734.5(PRKAR1A):c.201T>A (p.Asn67Lys)

Gene: PRKAR1A (protein kinase cAMP-dependent type I regulatory subunit alpha; plus strand). Cytogenetic location: 17q24.2.
Variant type: single nucleotide variant.
Coding change: c.201T>A on transcript NM_002734.5 (MANE Select); coding-DNA position 201, T replaced by A.
Protein change: p.Asn67Lys; replaces asparagine 67 with lysine.
Molecular consequence: missense variant.
Genome position (GRCh38, 1-based): chr17:68,522,779, T>A. VCF-style: chr17-68522779-T-A. GRCh37 (hg19) VCF-style: chr17-66518920-T-A.
Other names: c.201T>A, p.Asn67Lys (NM_001276289.2, NM_001276290.1, NM_001278433.2 and 4 more transcripts); short protein forms N67K.
Identifiers: ClinVar variation 1784534 (VCV001784534.8), dbSNP rs2085657026, ClinGen allele CA400752208.

ClinVar aggregate classification (germline): Uncertain significance. Review status: criteria provided, multiple submitters, no conflicts (2 of 4 stars). 2 submissions from 2 submitters: Uncertain significance (2). Last evaluated 2025-08-10.

Conditions:
Hereditary cancer-predisposing syndrome. Also called: Neoplastic Syndromes, Hereditary; Tumor predisposition; Hereditary Cancer Syndrome; Hereditary neoplastic syndrome. Identifiers: Orphanet 140162, MedGen C0027672, MeSH D009386, MONDO:0015356.
Carney complex, type 1 (CNC1). Also called: CARNEY MYXOMA-ENDOCRINE COMPLEX; CARNEY COMPLEX, TYPE I. Identifiers: Orphanet 1359, MedGen C2607929, MONDO:0008057, OMIM 160980.

Allele frequency attached by ClinVar (database versions not stated): TOPMed 0.00001.

Submissions (2):

Labcorp Genetics (formerly Invitae), Labcorp
Classification: Uncertain significance for Carney complex, type 1. Last evaluated: 2025-08-10. Review status: criteria provided, single submitter. Criteria: Invitae Variant Classification Sherloc (09022015). Collection method: clinical testing. Allele origin: germline.
Comment: This sequence change replaces asparagine, which is neutral and polar, with lysine, which is basic and polar, at codon 67 of the PRKAR1A protein (p.Asn67Lys). This variant is not present in population databases (gnomAD no frequency). This variant has not been reported in the literature in individuals affected with PRKAR1A-related conditions. ClinVar contains an entry for this variant (Variation ID: 1784534). Invitae Evidence Modeling of protein sequence and biophysical properties (such as structural, functional, and spatial information, amino acid conservation, physicochemical variation, residue mobility, and thermodynamic stability) indicates that this missense variant is not expected to disrupt PRKAR1A protein function with a negative predictive value of 95%. In summary, the available evidence is currently insufficient to determine the role of this variant in disease. Therefore, it has been classified as a Variant of Uncertain Significance.

Ambry Genetics
Classification: Uncertain significance for Hereditary cancer-predisposing syndrome. Last evaluated: 2025-01-08. Review status: criteria provided, single submitter. Criteria: Ambry Variant Classification Scheme 2023. Collection method: clinical testing. Allele origin: germline.
Comment: The p.N67K variant (also known as c.201T>A), located in coding exon 2 of the PRKAR1A gene, results from a T to A substitution at nucleotide position 201. The asparagine at codon 67 is replaced by lysine, an amino acid with similar properties. This amino acid position is conserved. In addition, this alteration is predicted to be tolerated by in silico analysis. Since supporting evidence is limited at this time, the clinical significance of this alteration remains unclear.